The following is an entry in ClinVar:

ClinVar aggregate classification (germline): Uncertain significance (1 of 4 stars; one submission).

Conditions:
Infantile neuroaxonal dystrophy (NBIA2A). Also called: NEURODEGENERATION WITH BRAIN IRON ACCUMULATION 2A; SEITELBERGER DISEASE; Infantile neuroaxonal dystrophy 1. Identifiers: Orphanet 35069, MedGen C0270724, MONDO:0024457, OMIM 256600.

gnomAD v4.1: 17 of 1,614,020 alleles (0.0011%); highest among the groups gnomAD compares: Non-Finnish European, 0.0013%; no homozygotes.

Submission:

Labcorp Genetics (formerly Invitae), Labcorp
Classification: Uncertain significance for Infantile neuroaxonal dystrophy. Last evaluated: 2024-07-16. Review status: criteria provided, single submitter. Criteria: Invitae Variant Classification Sherloc (09022015). Collection method: clinical testing. Allele origin: germline.
Comment: This sequence change replaces valine, which is neutral and non-polar, with alanine, which is neutral and non-polar, at codon 721 of the PLA2G6 protein (p.Val721Ala). This variant is present in population databases (rs775929222, gnomAD 0.003%). This variant has not been reported in the literature in individuals affected with PLA2G6-related conditions. Advanced modeling of protein sequence and biophysical properties (such as structural, functional, and spatial information, amino acid conservation, physicochemical variation, residue mobility, and thermodynamic stability) performed at Invitae indicates that this missense variant is not expected to disrupt PLA2G6 protein function with a negative predictive value of 80%. In summary, the available evidence is currently insufficient to determine the role of this variant in disease. Therefore, it has been classified as a Variant of Uncertain Significance.

NM_003560.4(PLA2G6):c.2162T>C (p.Val721Ala)

Gene: PLA2G6 (phospholipase A2 group VI; minus strand). Cytogenetic location: 22q13.1.
Variant type: single nucleotide variant.
Coding change: c.2162T>C on transcript NM_003560.4 (MANE Select); coding-DNA position 2162, T replaced by C.
Protein change: p.Val721Ala; replaces valine 721 with alanine.
Molecular consequence: missense variant.
Genome position (GRCh38, 1-based): chr22:38,113,527, A>G on the plus strand (T>C on the coding strand, the complement: PLA2G6 is on the minus strand). VCF-style: chr22-38113527-A-G. GRCh37 (hg19) VCF-style: chr22-38509534-A-G.
Other names: c.2000T>C, p.Val667Ala (NM_001004426.3, NM_001199562.3, NM_001349865.2 and 1 more transcripts); c.2162T>C, p.Val721Ala (NM_001349864.2); c.1628T>C, p.Val543Ala (NM_001349867.2); c.1484T>C, p.Val495Ala (NM_001349868.2); c.1466T>C, p.Val489Ala (NM_001349869.2); short protein forms V489A, V495A, V667A, V543A, V721A.
Identifiers: ClinVar variation 3667310 (VCV003667310.2).